The following is an entry in ClinVar:

NM_003841.5(TNFRSF10C):c.606G>C (p.Pro202=)

Gene: TNFRSF10C (TNF receptor superfamily member 10c; plus strand). Cytogenetic location: 8p21.3.
Variant type: single nucleotide variant.
Coding change: c.606G>C on transcript NM_003841.5 (MANE Select); coding-DNA position 606, G replaced by C.
Protein change: p.Pro202=; no amino-acid change (proline 202 retained).
Molecular consequence: synonymous variant.
Genome position (GRCh38, 1-based): chr8:23,116,857, G>C. VCF-style: chr8-23116857-G-C. GRCh37 (hg19) VCF-style: chr8-22974370-G-C.
Identifiers: ClinVar variation 2658479 (VCV002658479.24), dbSNP rs151239314, ClinGen allele CA460178631.

ClinVar aggregate classification (germline): Likely benign (1 of 4 stars; one submission).

Submission:

CeGaT Center for Human Genetics Tuebingen
Classification: Likely benign. Last evaluated: 2022-11-01. Review status: criteria provided, single submitter. Criteria: CeGaT Center For Human Genetics Tuebingen Variant Classification Criteria Version 2. Collection method: clinical testing. Allele origin: germline. Affected: yes. Observed: 1 variant allele.
Comment: TNFRSF10C: PM2:Supporting, BP4, BP7